The following is an entry in ClinVar:

NM_022455.5(NSD1):c.3776A>G (p.Gln1259Arg)

Gene: NSD1 (nuclear receptor binding SET domain protein 1; plus strand). Cytogenetic location: 5q35.3.
Variant type: single nucleotide variant.
Coding change: c.3776A>G on transcript NM_022455.5 (MANE Select); coding-DNA position 3776, A replaced by G.
Protein change: p.Gln1259Arg; replaces glutamine 1259 with arginine.
Molecular consequence: missense variant.
Genome position (GRCh38, 1-based): chr5:177,212,175, A>G. VCF-style: chr5-177212175-A-G. GRCh37 (hg19) VCF-style: chr5-176639176-A-G.
Other names: c.2903A>G, p.Gln968Arg (NM_001365684.2, NM_001409306.1, NM_001409307.1 and 3 more transcripts); c.3776A>G, p.Gln1259Arg (NM_001409301.1, NM_001409302.1, NM_001409303.1); c.3356A>G, p.Gln1119Arg (NM_001409304.1); c.3023A>G, p.Gln1008Arg (NM_001409305.1); short protein forms Q1008R, Q1119R, Q1259R, Q968R.
Identifiers: ClinVar variation 3628699 (VCV003628699.2).

ClinVar aggregate classification (germline): Uncertain significance (1 of 4 stars; one submission).

Submission:

Labcorp Genetics (formerly Invitae), Labcorp
Classification: Uncertain significance. Last evaluated: 2024-10-28. Review status: criteria provided, single submitter. Criteria: Invitae Variant Classification Sherloc (09022015). Collection method: clinical testing. Allele origin: germline.
Comment: This sequence change replaces glutamine, which is neutral and polar, with arginine, which is basic and polar, at codon 1259 of the NSD1 protein (p.Gln1259Arg). This variant is not present in population databases (gnomAD no frequency). This variant has not been reported in the literature in individuals affected with NSD1-related conditions. Invitae Evidence Modeling of protein sequence and biophysical properties (such as structural, functional, and spatial information, amino acid conservation, physicochemical variation, residue mobility, and thermodynamic stability) indicates that this missense variant is not expected to disrupt NSD1 protein function with a negative predictive value of 95%. In summary, the available evidence is currently insufficient to determine the role of this variant in disease. Therefore, it has been classified as a Variant of Uncertain Significance.